The following is an entry in ClinVar:

NM_001128840.3(CACNA1D):c.5750-21T>C

Gene: CACNA1D (calcium voltage-gated channel subunit alpha1 D; plus strand). Cytogenetic location: 3p21.1.
Variant type: single nucleotide variant.
Coding change: c.5750-21T>C on transcript NM_001128840.3 (MANE Select); 21 bases into the intron before coding-DNA position 5750, T replaced by C.
Molecular consequence: intron variant.
Genome position (GRCh38, 1-based): chr3:53,808,628, T>C. VCF-style: chr3-53808628-T-C. GRCh37 (hg19) VCF-style: chr3-53842655-T-C.
Other names: c.5678-21T>C (NM_001128839.3); c.5810-21T>C (NM_000720.4).
Identifiers: ClinVar variation 678560 (VCV000678560.2), dbSNP rs73843320, ClinGen allele CA2455254.
Genomic context (GRCh38, chr3:53,808,628, plus strand): 5'-CCGGGGCCACCCTGACTCTGAAAGACGGTGTCCCGGCAGAGAACTTGCTTCACAGCTGTG[T>C]GATGCCCTTTGCTTTCCCAGCCCACCGGAGATCCTCCTTCAACTTTGAGTGCCTGCGCCG-3'

ClinVar aggregate classification (germline): Likely benign. Review status: criteria provided, multiple submitters, no conflicts (2 of 4 stars). 2 submissions from 2 submitters: Likely benign (2). Last evaluated 2018-06-13.

Allele frequency attached by ClinVar (database versions not stated): gnomAD exomes 0.00121 and 0.00311; ExAC 0.00391; 1000 Genomes Project 0.00998; 1000 Genomes Project 30x 0.01062; gnomAD 0.01084 and 0.01180; TOPMed 0.01228; ESP Exome Variant Server 0.01276.
gnomAD v4.1: 3,492 of 1,605,220 alleles (0.22%); highest among the groups gnomAD compares: African/African-American, 3.6%; 47 homozygotes.

Submissions (2):

GeneDx
Classification: Likely benign. Last evaluated: 2018-06-13. Review status: criteria provided, single submitter. Criteria: GeneDx Variant Classification (06012015). Collection method: clinical testing. Allele origin: germline. Affected: yes.
Comment: This variant is considered likely benign or benign based on one or more of the following criteria: it is a conservative change, it occurs at a poorly conserved position in the protein, it is predicted to be benign by multiple in silico algorithms, and/or has population frequency not consistent with disease.

Breakthrough Genomics
Classification: Likely benign. Review status: criteria provided, single submitter. Criteria: ACMG Guidelines, 2015. Collection method: not provided. Allele origin: germline. Inheritance: Autosomal recessive inheritance. Affected: yes.